The following is an entry in ClinVar:

NM_001283009.2(RTEL1):c.2469G>T (p.Glu823Asp)

Genes: RTEL1-TNFRSF6B (RTEL1-TNFRSF6B readthrough (NMD candidate); plus strand), RTEL1 (regulator of telomere elongation helicase 1; plus strand). Cytogenetic location: 20q13.33.
Variant type: single nucleotide variant.
Coding change: c.2469G>T on transcript NM_001283009.2 (MANE Select); coding-DNA position 2469, G replaced by T.
Protein change: p.Glu823Asp; replaces glutamic acid 823 with aspartic acid.
Molecular consequence: missense variant. On other transcripts: non-coding transcript variant (1).
Genome position (GRCh38, 1-based): chr20:63,690,860, G>T. VCF-style: chr20-63690860-G-T. GRCh37 (hg19) VCF-style: chr20-62322213-G-T.
Other names: c.1800G>T, p.Glu600Asp (NM_001283010.1); c.2469G>T, p.Glu823Asp (NM_016434.4); c.2541G>T, p.Glu847Asp (NM_032957.5); short protein forms E600D, E823D, E847D.
Identifiers: ClinVar variation 2946511 (VCV002946511.4), dbSNP rs1370303496, ClinGen allele CA409681568.

ClinVar aggregate classification (germline): Uncertain significance. Review status: criteria provided, multiple submitters, no conflicts (2 of 4 stars). 2 submissions from 2 submitters: Uncertain significance (2). Last evaluated 2026-03-17.

Conditions:
Pulmonary fibrosis and/or bone marrow failure, Telomere-related, 3. Also called: PULMONARY FIBROSIS AND/OR BONE MARROW FAILURE SYNDROME, TELOMERE-RELATED, 3. Identifiers: Orphanet 2032, MedGen C4225346, MONDO:0014613, OMIM 616373.
Dyskeratosis congenita, autosomal recessive 5 (DKCB5). Identifiers: MedGen C3554656, MONDO:0014076, OMIM 615190.
Inborn genetic diseases. Identifiers: MedGen C0950123, MeSH D030342.

gnomAD v4.1: 2 of 1,602,842 alleles (0.00012%); no homozygotes.

Submissions (2):

Ambry Genetics
Classification: Uncertain significance for Inborn genetic diseases. Last evaluated: 2026-03-17. Review status: criteria provided, single submitter. Criteria: Ambry Variant Classification Scheme 2023. Collection method: clinical testing. Allele origin: germline.
Comment: The p.E823D variant (also known as c.2469G>T), located in coding exon 26 of the RTEL1 gene, results from a G to T substitution at nucleotide position 2469. The glutamic acid at codon 823 is replaced by aspartic acid, an amino acid with highly similar properties. This amino acid position is conserved. In addition, this alteration is predicted to be tolerated by in silico analysis. Based on the available evidence, the clinical significance of this variant remains unclear.

Labcorp Genetics (formerly Invitae), Labcorp
Classification: Uncertain significance for Dyskeratosis congenita, autosomal recessive 5; Pulmonary fibrosis and/or bone marrow failure, Telomere-related, 3. Last evaluated: 2023-04-10. Review status: criteria provided, single submitter. Criteria: Invitae Variant Classification Sherloc (09022015). Collection method: clinical testing. Allele origin: germline.
Comment: In summary, the available evidence is currently insufficient to determine the role of this variant in disease. Therefore, it has been classified as a Variant of Uncertain Significance. An algorithm developed to predict the effect of missense changes on protein structure and function (PolyPhen-2) suggests that this variant is likely to be tolerated. This variant has not been reported in the literature in individuals affected with RTEL1-related conditions. This variant is not present in population databases (gnomAD no frequency). This sequence change replaces glutamic acid, which is acidic and polar, with aspartic acid, which is acidic and polar, at codon 823 of the RTEL1 protein (p.Glu823Asp).